The following is an entry in ClinVar:

ClinVar aggregate classification (germline): Likely pathogenic (1 of 4 stars; one submission).

Conditions:
Charcot-Marie-Tooth disease type 4. Also called: Charcot-Marie-Tooth disease, type IV; Charcot-Marie-Tooth, Type 4. Identifiers: Orphanet 64749, MedGen C4082197, MONDO:0018995.

Submission:

Labcorp Genetics (formerly Invitae), Labcorp
Classification: Likely pathogenic for Charcot-Marie-Tooth disease type 4. Last evaluated: 2023-10-15. Review status: criteria provided, single submitter. Criteria: Invitae Variant Classification Sherloc (09022015). Collection method: clinical testing. Allele origin: germline.
Comment: This sequence change affects a donor splice site in intron 8 of the NDRG1 gene. It is expected to disrupt RNA splicing. Variants that disrupt the donor or acceptor splice site typically lead to a loss of protein function (PMID: 16199547), and loss-of-function variants in NDRG1 are known to be pathogenic (PMID: 12872253, 23996628). This variant is not present in population databases (gnomAD no frequency). This variant has not been reported in the literature in individuals affected with NDRG1-related conditions. Algorithms developed to predict the effect of sequence changes on RNA splicing suggest that this variant may disrupt the consensus splice site. In summary, the currently available evidence indicates that the variant is pathogenic, but additional data are needed to prove that conclusively. Therefore, this variant has been classified as Likely Pathogenic.

Literature cited by the submitters: PubMed 16199547; PubMed 12872253; PubMed 23996628.

NM_006096.4(NDRG1):c.537+1G>T

Gene: NDRG1 (N-myc downstream regulated 1; minus strand). Cytogenetic location: 8q24.22.
Variant type: single nucleotide variant.
Coding change: c.537+1G>T on transcript NM_006096.4 (MANE Select); the canonical splice donor site of the intron after coding-DNA position 537, G replaced by T.
Molecular consequence: splice donor variant. On other transcripts: missense variant (1).
Genome position (GRCh38, 1-based): chr8:133,256,776, C>A on the plus strand (G>T on the coding strand, the complement: NDRG1 is on the minus strand). VCF-style: chr8-133256776-C-A. GRCh37 (hg19) VCF-style: chr8-134269019-C-A.
Other names: c.538G>T, p.Val180Leu (NM_001374844.1); c.339+1G>T (NM_001258432.2, NM_001374847.1); c.294+1G>T (NM_001258433.2); c.537+1G>T (NM_001135242.2, NM_001374845.1, NM_001374846.1); short protein forms V180L.
Identifiers: ClinVar variation 2871907 (VCV002871907.3), dbSNP rs2538050013, ClinGen allele CA372255645.